The following is an entry in ClinVar:

ClinVar aggregate classification (germline): Uncertain significance (1 of 4 stars; one submission).

Allele frequency attached by ClinVar (database versions not stated): ExAC 0.00001; gnomAD 0.00001; TOPMed 0.00001; gnomAD exomes 0.00002.
gnomAD v4.1: 31 of 1,612,714 alleles (0.0019%); highest among the groups gnomAD compares: Non-Finnish European, 0.0026%; no homozygotes.

Submission:

ARUP Laboratories, Molecular Genetics and Genomics, ARUP Laboratories
Classification: Uncertain significance. Last evaluated: 2022-06-28. Review status: criteria provided, single submitter. Criteria: ARUP Molecular Germline Variant Investigation Process 2021. Collection method: clinical testing. Allele origin: germline.
Comment: The TTN NM_133379.5: c.11323G>A; p.Ala3775Thr variant (rs774535922) is rare in the general population (<0.2% allele frequency in the Genome Aggregation Database) and has not been reported in the medical literature in association with dilated cardiomyopathy (DCM) or other TTN-related disease. The clinical relevance of rare missense variants in this gene, which are identified on average once per individual sequenced in affected populations (Herman 2012), is not well understood. Yet, evidence suggests that the vast majority of such missense variants do not contribute to the clinical outcome of DCM (Begay 2015). Thus, the clinical significance of the p.Ala3775Thr variant cannot be determined with certainty.

NM_001267550.2(TTN):c.11311+2047G>A

Gene: TTN (titin; minus strand). Cytogenetic location: 2q31.2.
Variant type: single nucleotide variant.
Coding change: c.11311+2047G>A on transcript NM_001267550.2 (MANE Select); 2047 bases into the intron after coding-DNA position 11311, G replaced by A.
Molecular consequence: intron variant. On other transcripts: missense variant (1).
Genome position (GRCh38, 1-based): chr2:178,751,077, C>T on the plus strand (G>A on the coding strand, the complement: TTN is on the minus strand). VCF-style: chr2-178751077-C-T. GRCh37 (hg19) VCF-style: chr2-179615804-C-T.
Other names: c.11323G>A, p.Ala3775Thr (NM_133379.5); c.10222+2047G>A (NM_003319.4); c.10798+2047G>A (NM_133437.4); c.10597+2047G>A (NM_133432.3); c.10360+2047G>A (NM_133378.4, NM_001256850.1); short protein forms A3775T.
Identifiers: ClinVar variation 2428528 (VCV002428528.3), dbSNP rs774535922, ClinGen allele CA2003757.